The following is an entry in ClinVar:

ClinVar aggregate classification (germline): Uncertain significance (1 of 4 stars; one submission).

Allele frequency attached by ClinVar (database versions not stated): TOPMed below 0.00001; gnomAD exomes 0.00002.
gnomAD v4.1: 10 of 1,449,320 alleles (0.00069%); highest among the groups gnomAD compares: Non-Finnish European, 0.0009%; no homozygotes.

Submission:

Labcorp Genetics (formerly Invitae), Labcorp
Classification: Uncertain significance. Last evaluated: 2025-08-15. Review status: criteria provided, single submitter. Criteria: Invitae Variant Classification Sherloc (09022015). Collection method: clinical testing. Allele origin: germline.
Comment: This sequence change replaces alanine, which is neutral and non-polar, with valine, which is neutral and non-polar, at codon 112 of the LEMD3 protein (p.Ala112Val). This variant is not present in population databases (gnomAD no frequency). This variant has not been reported in the literature in individuals affected with LEMD3-related conditions. ClinVar contains an entry for this variant (Variation ID: 2969958). An algorithm developed to predict the effect of missense changes on protein structure and function outputs the following: PolyPhen-2: "Benign". The valine amino acid residue is found in multiple mammalian species, which suggests that this missense change does not adversely affect protein function. In summary, the available evidence is currently insufficient to determine the role of this variant in disease. Therefore, it has been classified as a Variant of Uncertain Significance.

NM_014319.5(LEMD3):c.335C>T (p.Ala112Val)

Genes: LEMD3 (LEM domain containing 3; plus strand), LOC130008224 (ATAC-STARR-seq lymphoblastoid silent region 4630; plus strand). Cytogenetic location: 12q14.3.
Variant type: single nucleotide variant.
Coding change: c.335C>T on transcript NM_014319.5 (MANE Select); coding-DNA position 335, C replaced by T.
Protein change: p.Ala112Val; replaces alanine 112 with valine.
Molecular consequence: missense variant.
Genome position (GRCh38, 1-based): chr12:65,169,931, C>T. VCF-style: chr12-65169931-C-T. GRCh37 (hg19) VCF-style: chr12-65563711-C-T.
Other names: c.335C>T, p.Ala112Val (NM_001167614.2); short protein forms A112V.
Identifiers: ClinVar variation 2969958 (VCV002969958.3), dbSNP rs1868462017, ClinGen allele CA385672665.